The following is an entry in ClinVar:

ClinVar aggregate classification (germline): Uncertain significance. Review status: criteria provided, multiple submitters, no conflicts (2 of 4 stars). 3 submissions from 3 submitters: Uncertain significance (3). Last evaluated 2026-07-23.

Conditions:
Inborn genetic diseases. Identifiers: MedGen C0950123, MeSH D030342.
MBD4-related disorder. Also called: MBD4-related condition.

Allele frequency attached by ClinVar (database versions not stated): gnomAD exomes 0.00002; TOPMed 0.00002; gnomAD 0.00005; ExAC 0.00012; 1000 Genomes Project 30x 0.00031; 1000 Genomes Project 0.00040.
gnomAD v4.1: 43 of 1,614,158 alleles (0.0027%); highest among the groups gnomAD compares: East Asian, 0.045%; no homozygotes.

Submissions (3):

PreventionGenetics, part of Exact Sciences
Classification: Uncertain significance for MBD4-related condition. Last evaluated: 2026-07-23. Review status: criteria provided, single submitter. Criteria: ACMG Guidelines, 2015. Collection method: clinical testing. Allele origin: germline.
Comment: The MBD4 c.828A>C variant is predicted to result in the amino acid substitution p.Glu276Asp. To our knowledge, this variant has not been reported in the literature. This variant is reported in 0.11% of alleles in individuals of East Asian descent in gnomAD and is interpreted as uncertain in ClinVar (Variation ID: 2064234). At this time, the clinical significance of this variant is uncertain due to the absence of conclusive functional and genetic evidence.

Labcorp Genetics (formerly Invitae), Labcorp
Classification: Uncertain significance. Last evaluated: 2026-02-04. Review status: criteria provided, single submitter. Criteria: Invitae Variant Classification Sherloc (09022015). Collection method: clinical testing. Allele origin: germline.
Comment: This sequence change replaces glutamic acid, which is acidic and polar, with aspartic acid, which is acidic and polar, at codon 276 of the MBD4 protein (p.Glu276Asp). This variant is present in population databases (rs371958871, gnomAD 0.1%). This variant has not been reported in the literature in individuals affected with MBD4-related conditions. ClinVar contains an entry for this variant (Variation ID: 2064234). An algorithm developed to predict the effect of missense changes on protein structure and function (PolyPhen-2) suggests that this variant is likely to be disruptive. In summary, the available evidence is currently insufficient to determine the role of this variant in disease. Therefore, it has been classified as a Variant of Uncertain Significance.

Ambry Genetics
Classification: Uncertain significance for Inborn genetic diseases. Last evaluated: 2024-12-24. Review status: criteria provided, single submitter. Criteria: Ambry Variant Classification Scheme 2023. Collection method: clinical testing. Allele origin: germline.
Comment: The p.E276D variant (also known as c.828A>C), located in coding exon 3 of the MBD4 gene, results from an A to C substitution at nucleotide position 828. The glutamic acid at codon 276 is replaced by aspartic acid, an amino acid with highly similar properties. This amino acid position is well conserved in available vertebrate species. In addition, this alteration is predicted to be tolerated by in silico analysis. Based on the available evidence, the clinical significance of this variant remains unclear.

NM_001276270.2(MBD4):c.828A>C (p.Glu276Asp)

Gene: MBD4 (methyl-CpG binding domain 4, DNA glycosylase; minus strand). Cytogenetic location: 3q21.3.
Variant type: single nucleotide variant.
Coding change: c.828A>C on transcript NM_001276270.2 (MANE Select); coding-DNA position 828, A replaced by C.
Protein change: p.Glu276Asp; replaces glutamic acid 276 with aspartic acid.
Molecular consequence: missense variant. On other transcripts: intron variant (1).
Genome position (GRCh38, 1-based): chr3:129,436,816, T>G on the plus strand (A>C on the coding strand, the complement: MBD4 is on the minus strand). VCF-style: chr3-129436816-T-G. GRCh37 (hg19) VCF-style: chr3-129155659-T-G.
Other names: c.828A>C (NM_003925.2); c.828A>C, p.Glu276Asp (NM_001276271.2, NM_001276272.2, NM_003925.3); c.247+992A>C (NM_001276273.2); short protein forms E276D.
Identifiers: ClinVar variation 2064234 (VCV002064234.6), dbSNP rs371958871, ClinGen allele CA2605460.